The following is an entry in ClinVar:

NM_001394062.1(MACF1):c.21679-1G>A

Gene: MACF1 (microtubule actin crosslinking factor 1; plus strand). Cytogenetic location: 1p34.3.
Variant type: single nucleotide variant.
Coding change: c.21679-1G>A on transcript NM_001394062.1 (MANE Select); the canonical splice acceptor site of the intron before coding-DNA position 21679, G replaced by A.
Molecular consequence: splice acceptor variant.
Genome position (GRCh38, 1-based): chr1:39,463,611, G>A. VCF-style: chr1-39463611-G-A. GRCh37 (hg19) VCF-style: chr1-39929283-G-A.
Other names: c.15502-1G>A (NM_012090.5); c.9757-1G>A (NM_001397473.1).
Identifiers: ClinVar variation 4891507 (VCV004891507.1).
Genomic context (GRCh38, chr1:39,463,611, plus strand): 5'-TTCTCTGAATAGGAAGTTTTGCTCTACCCTTTACACTTTCCTTTTTGTTCACACCCAATA[G>A]GTTACAAGACAAGTGGCTCAGTGCAAATGTGCAAAAAGGTTTCAGGTGGAGCAGATCGGA-3'

ClinVar aggregate classification (germline): Likely pathogenic (1 of 4 stars; one submission).

Submission:

GeneDx
Classification: Likely pathogenic. Last evaluated: 2026-03-12. Review status: criteria provided, single submitter. Criteria: GeneDx Variant Classification Process June 2021. Collection method: clinical testing. Allele origin: germline.
Comment: Canonical splice site variant with an unclear effect on protein function; Not observed at significant frequency in large population cohorts (gnomAD); Has not been previously published as pathogenic or benign to our knowledge